The following is an entry in ClinVar:

NM_007294.4(BRCA1):c.5565A>C (p.Ile1855=)

Gene: BRCA1 (BRCA1 DNA repair associated; minus strand). Cytogenetic location: 17q21.31.
Variant type: single nucleotide variant.
Coding change: c.5565A>C on transcript NM_007294.4 (MANE Select); coding-DNA position 5565, A replaced by C.
Protein change: p.Ile1855=; no amino-acid change (isoleucine 1855 retained).
Molecular consequence: synonymous variant. On other transcripts: 3 prime UTR variant (17).
Genome position (GRCh38, 1-based): chr17:43,045,705, T>G on the plus strand (A>C on the coding strand, the complement: BRCA1 is on the minus strand). VCF-style: chr17-43045705-T-G. GRCh37 (hg19) VCF-style: chr17-41197722-T-G.
Other names: c.5355A>C, p.Ile1785= (NM_001407887.1, NM_001407889.1, NM_001407879.1 and 5 more transcripts); c.5352A>C, p.Ile1784= (NM_001407894.1, NM_001407895.1, NM_001407896.1 and 12 more transcripts); c.5349A>C, p.Ile1783= (NM_001407915.1, NM_001407916.1, NM_001407917.1 and 1 more transcripts); c.5313A>C, p.Ile1771= (NM_001407919.1); c.5301A>C, p.Ile1767= (NM_001407920.1, NM_001407921.1, NM_001407922.1 and 4 more transcripts); c.5298A>C, p.Ile1766= (NM_001407927.1, NM_001407928.1, NM_001407929.1 and 4 more transcripts); c.5295A>C, p.Ile1765= (NM_001407934.1, NM_001407935.1, NM_001407936.1); c.*79A>C (NM_001407937.1, NM_001407938.1, NM_001407939.1 and 14 more transcripts); and 74 more.
Identifiers: ClinVar variation 427301 (VCV000427301.6), dbSNP rs758449088, ClinGen allele CA055363.

ClinVar aggregate classification (germline): Likely benign (3 of 4 stars; one submission).

Conditions:
Breast-ovarian cancer, familial, susceptibility to, 1 (BROVCA1). Also called: BRCA1 Hereditary Breast and Ovarian Cancer; OVARIAN CANCER, SUSCEPTIBILITY TO. Identifiers: Orphanet 145, MedGen C2676676, MONDO:0011450, OMIM 604370. Disease mechanism: loss of function.

Allele frequency attached by ClinVar (database versions not stated): ExAC 0.00007.

Submissions (2):

Evidence-based Network for the Interpretation of Germline Mutant Alleles (ENIGMA)
Classification: Likely benign for Breast-ovarian cancer, familial, susceptibility to, 1. Last evaluated: 2017-06-29. Review status: reviewed by expert panel. Criteria: ENIGMA BRCA1/2 Classification Criteria (2017-06-29). Collection method: curation. Allele origin: germline.
Comment: Synonymous substitution variant, with low bioinformatic likelihood to result in a splicing aberration (Splicing prior probability 0.02).

Brotman Baty Institute, University of Washington
No classification provided (evidence only). Condition: Breast-ovarian cancer, familial 1. Review status: no classification provided. Collection method: in vitro. Allele origin: not applicable. Functional consequence: functionally_normal. Not counted in ClinVar's aggregate classification.
ClinVar note: "not provided" was previously submitted as the classification for the variant. However, the classification appeared to be based only on an observation of functional data so it was converted to no classification on 2025-07-30.